The following is an entry in ClinVar:

NC_000011.10:g.6390282G>A

Genes: SMPD1 (sphingomyelin phosphodiesterase 1; plus strand), LOC130005193 (ATAC-STARR-seq lymphoblastoid silent region 3099; plus strand). Cytogenetic location: 11p15.4.
Variant type: single nucleotide variant.
Genome position: GRCh38 VCF-style: chr11-6390282-G-A. GRCh37 (hg19) VCF-style: chr11-6411512-G-A.
Identifiers: ClinVar variation 1707204 (VCV001707204.3), dbSNP rs573977383, ClinGen allele CA217298768.

ClinVar aggregate classification (germline): Likely benign (1 of 4 stars; one submission).

Allele frequency attached by ClinVar (database versions not stated): gnomAD exomes 0.00053; gnomAD 0.00622; 1000 Genomes Project 30x 0.00656; 1000 Genomes Project 0.00719.

Submission:

GeneDx
Classification: Likely benign. Last evaluated: 2021-05-22. Review status: criteria provided, single submitter. Criteria: GeneDx Variant Classification Process June 2021. Collection method: clinical testing. Allele origin: germline. Affected: yes.
Comment: See Variant Classification Assertion Criteria.